The following is an entry in ClinVar:

NM_020791.4(TAOK1):c.999+1G>A

Gene: TAOK1 (TAO kinase 1; plus strand). Cytogenetic location: 17q11.2.
Variant type: single nucleotide variant.
Coding change: c.999+1G>A on transcript NM_020791.4 (MANE Select); the canonical splice donor site of the intron after coding-DNA position 999, G replaced by A.
Molecular consequence: splice donor variant.
Genome position (GRCh38, 1-based): chr17:29,495,728, G>A. VCF-style: chr17-29495728-G-A. GRCh37 (hg19) VCF-style: chr17-27822746-G-A.
Other names: c.999+1G>A (NM_025142.1).
Identifiers: ClinVar variation 4076242 (VCV004076242.1).

ClinVar aggregate classification (germline): Likely pathogenic (1 of 4 stars; one submission).

Conditions:
Developmental delay with or without intellectual impairment or behavioral abnormalities. Identifiers: MedGen C5562004, MONDO:0859199, OMIM 619575.

Submission:

Laboratorio de Genetica e Diagnostico Molecular, Hospital Israelita Albert Einstein
Classification: Likely pathogenic for Developmental delay with or without intellectual impairment or behavioral abnormalities. Last evaluated: 2024-08-26. Review status: criteria provided, single submitter. Criteria: ACMG Guidelines, 2015. Collection method: clinical testing. Allele origin: germline. Affected: yes.
Comment: ACMG classification criteria: PVS1 very strong, PM2 supporting